The following is an entry in ClinVar:

ClinVar aggregate classification (germline): Uncertain significance (1 of 4 stars; one submission).

Conditions:
Hereditary cancer-predisposing syndrome. Also called: Neoplastic Syndromes, Hereditary; Tumor predisposition; Hereditary Cancer Syndrome; Hereditary neoplastic syndrome. Identifiers: Orphanet 140162, MedGen C0027672, MeSH D009386, MONDO:0015356.

Submission:

Ambry Genetics
Classification: Uncertain significance for Hereditary cancer-predisposing syndrome. Last evaluated: 2018-09-25. Review status: criteria provided, single submitter. Criteria: Ambry Variant Classification Scheme 2023. Collection method: clinical testing. Allele origin: germline.
Comment: The p.K656E variant (also known as c.1966A>G), located in coding exon 13 of the BRIP1 gene, results from an A to G substitution at nucleotide position 1966. The lysine at codon 656 is replaced by glutamic acid, an amino acid with similar properties. This amino acid position is not well conserved in available vertebrate species. In addition, this alteration is predicted to be tolerated by in silico analysis. Since supporting evidence is limited at this time, the clinical significance of this alteration remains unclear.

NM_032043.3(BRIP1):c.1966A>G (p.Lys656Glu)

Gene: BRIP1 (BRCA1 interacting DNA helicase 1; minus strand). Cytogenetic location: 17q23.2.
Variant type: single nucleotide variant.
Coding change: c.1966A>G on transcript NM_032043.3 (MANE Select); coding-DNA position 1966, A replaced by G.
Protein change: p.Lys656Glu; replaces lysine 656 with glutamic acid.
Molecular consequence: missense variant.
Genome position (GRCh38, 1-based): chr17:61,776,532, T>C on the plus strand (A>G on the coding strand, the complement: BRIP1 is on the minus strand). VCF-style: chr17-61776532-T-C. GRCh37 (hg19) VCF-style: chr17-59853893-T-C.
Other names: short protein forms K656E.
Identifiers: ClinVar variation 820436 (VCV000820436.4), dbSNP rs1603328913, ClinGen allele CA400478541.